The following is an entry in ClinVar:

ClinVar aggregate classification (germline): Likely benign. Review status: criteria provided, multiple submitters, no conflicts (2 of 4 stars). 3 submissions from 3 submitters: Likely benign (2). 1 of the submissions does not count toward it. Last evaluated 2024-09-10.

Conditions:
IFT172-related disorder. Also called: IFT172-related condition; IFT172-related disorders.
Retinitis pigmentosa 71 (RP71). Identifiers: Orphanet 791, MedGen C4225342, MONDO:0014618, OMIM 616394.
Short-rib thoracic dysplasia 10 with or without polydactyly (SRTD10). Identifiers: Orphanet 474, MedGen C3810175, MONDO:0014284, OMIM 615630.

Allele frequency attached by ClinVar (database versions not stated): ExAC 0.00001; gnomAD exomes 0.00002 and 0.00004; TOPMed 0.00002; gnomAD 0.00003 and 0.00004.
gnomAD v4.1: 57 of 1,587,632 alleles (0.0036%); highest among the groups gnomAD compares: Middle Eastern, 0.05%; no homozygotes.

Submissions (3):

Blueprint Genetics
Classification: Likely benign. Last evaluated: 2024-09-10. Review status: criteria provided, single submitter. Criteria: ACMG Guidelines, 2015. Collection method: clinical testing. Allele origin: germline.

Labcorp Genetics (formerly Invitae), Labcorp
Classification: Likely benign for Retinitis pigmentosa 71; Short-rib thoracic dysplasia 10 with or without polydactyly. Last evaluated: 2024-08-13. Review status: criteria provided, single submitter. Criteria: Invitae Variant Classification Sherloc (09022015). Collection method: clinical testing. Allele origin: germline.

PreventionGenetics, part of Exact Sciences
Classification: Likely benign for IFT172-related condition. Last evaluated: 2023-07-20. Review status: no assertion criteria provided. Collection method: clinical testing. Allele origin: germline. Not counted in ClinVar's aggregate classification.
Comment: This variant is classified as likely benign based on ACMG/AMP sequence variant interpretation guidelines (Richards et al. 2015 PMID: 25741868, with internal and published modifications).

NM_015662.3(IFT172):c.4407C>T (p.His1469=)

Gene: IFT172 (intraflagellar transport 172; minus strand). Cytogenetic location: 2p23.3.
Variant type: single nucleotide variant.
Coding change: c.4407C>T on transcript NM_015662.3 (MANE Select); coding-DNA position 4407, C replaced by T.
Protein change: p.His1469=; no amino-acid change (histidine 1469 retained).
Molecular consequence: synonymous variant.
Genome position (GRCh38, 1-based): chr2:27,448,936, G>A on the plus strand (C>T on the coding strand, the complement: IFT172 is on the minus strand). VCF-style: chr2-27448936-G-A. GRCh37 (hg19) VCF-style: chr2-27671803-G-A.
Other names: c.4407C>T (NM_015662.2).
Identifiers: ClinVar variation 1136334 (VCV001136334.12), dbSNP rs761583320, ClinGen allele CA1579623.